The following is an entry in ClinVar:

NM_032977.4(CASP10):c.1517C>T (p.Thr506Ile)

Gene: CASP10 (caspase 10; plus strand). Cytogenetic location: 2q33.1.
Variant type: single nucleotide variant.
Coding change: c.1517C>T on transcript NM_032977.4 (MANE Select); coding-DNA position 1517, C replaced by T.
Protein change: p.Thr506Ile; replaces threonine 506 with isoleucine.
Molecular consequence: missense variant. On other transcripts: 3 prime UTR variant (1), intron variant (2).
Genome position (GRCh38, 1-based): chr2:201,217,689, C>T. VCF-style: chr2-201217689-C-T. GRCh37 (hg19) VCF-style: chr2-202082412-C-T.
Other names: c.1316C>T, p.Thr439Ile (NM_001206524.2); c.1388C>T, p.Thr463Ile (NM_001230.5); c.*603C>T (NM_032976.4); c.1415+8127C>T (NM_032974.5); c.1286+8127C>T (NM_001206542.2); short protein forms T463I, T506I, T439I.
Identifiers: ClinVar variation 3995587 (VCV003995587.2).

ClinVar aggregate classification (germline): Uncertain significance. Review status: criteria provided, multiple submitters, no conflicts (2 of 4 stars). 2 submissions from 2 submitters: Uncertain significance (2). Last evaluated 2025-05-21.

Conditions:
Autoimmune lymphoproliferative syndrome type 2A (ALPS2A). Also called: CASP10-Related Autoimmune Lymphoproliferative Syndrome; AUTOIMMUNE LYMPHOPROLIFERATIVE SYNDROME, TYPE IIA; Autoimmune lymphoproliferative syndrome type 2. Identifiers: Orphanet 3261, MedGen C1858968, MONDO:0011383, OMIM 603909.

gnomAD v4.1: 84 of 1,614,036 alleles (0.0052%); highest among the groups gnomAD compares: Non-Finnish European, 0.0069%; no homozygotes.

Submissions (2):

Ambry Genetics
Classification: Uncertain significance. Last evaluated: 2025-05-21. Review status: criteria provided, single submitter. Criteria: Ambry Variant Classification Scheme 2023. Collection method: clinical testing. Allele origin: germline.

Labcorp Genetics (formerly Invitae), Labcorp
Classification: Uncertain significance for Autoimmune lymphoproliferative syndrome type 2A. Last evaluated: 2025-04-14. Review status: criteria provided, single submitter. Criteria: Invitae Variant Classification Sherloc (09022015). Collection method: clinical testing. Allele origin: germline.
Comment: This sequence change replaces threonine, which is neutral and polar, with isoleucine, which is neutral and non-polar, at codon 506 of the CASP10 protein (p.Thr506Ile). This variant is present in population databases (no rsID available, gnomAD 0.004%). This variant has not been reported in the literature in individuals affected with CASP10-related conditions. An algorithm developed to predict the effect of missense changes on protein structure and function (PolyPhen-2) suggests that this variant is likely to be disruptive. In summary, the available evidence is currently insufficient to determine the role of this variant in disease. Therefore, it has been classified as a Variant of Uncertain Significance.